The following is an entry in ClinVar:

NM_001283009.2(RTEL1):c.3730_3731del (p.Cys1244fs)

Genes: RTEL1-TNFRSF6B (RTEL1-TNFRSF6B readthrough (NMD candidate); plus strand), RTEL1 (regulator of telomere elongation helicase 1; plus strand). Cytogenetic location: 20q13.33.
Variant type: Microsatellite.
Coding change: c.3730_3731del on transcript NM_001283009.2 (MANE Select); coding-DNA positions 3730 to 3731, 2 bases deleted (TG; older notation c.3730_3731delTG).
Protein change: p.Cys1244fs; shifts the reading frame from cysteine 1244.
Molecular consequence: frameshift variant. On other transcripts: non-coding transcript variant (1), intron variant (3).
Genome position (GRCh38, 1-based): chr20:63,695,558-63,695,559, TG deleted; deleting any 2 consecutive bases within chr20:63,695,552-63,695,559 gives the same sequence; the c. name uses the placement nearest the transcript's 3' end. VCF-style (leftmost placement, unchanged base first): chr20-63695551-CTG-C. GRCh37 (hg19) VCF-style: chr20-62326904-CTG-C.
Other names: p.Cys1244Profs*17; c.3730_3731delTG (NM_001283009.1); c.2983+72TG[3] (NM_001283010.1); c.3724+72TG[3] (NM_032957.5); c.3652+72TG[3] (NM_016434.4); short protein forms C1244fs.
Identifiers: ClinVar variation 1455182 (VCV001455182.11), dbSNP rs1316931773, ClinGen allele CA636615350.
Genomic context (GRCh38, chr20:63,695,551, plus strand): 5'-TGGGAGAGACATCGCTGGGCAGCAGGCCACGGGAGCTCCGGGCGGGCCCCTCTCAGCAGG[CTG>C]TGTGTGCCAGGGCTGTGGGGCAGAGGACGTGGTGCCCTTCCAGTGCCCTGCCTGTGACTT-3'

ClinVar aggregate classification (germline): Pathogenic/Likely pathogenic. Review status: criteria provided, multiple submitters, no conflicts (2 of 4 stars). 6 submissions from 6 submitters: Pathogenic (2); Likely pathogenic (3). 1 of the submissions does not count toward it. Last evaluated 2024-11-04.

Conditions:
RTEL1-related disorder. Also called: RTEL1-related condition; RTEL1-related disorders.
Dyskeratosis congenita, autosomal recessive 5 (DKCB5). Identifiers: MedGen C3554656, MONDO:0014076, OMIM 615190.
Pulmonary fibrosis and/or bone marrow failure, Telomere-related, 3. Also called: PULMONARY FIBROSIS AND/OR BONE MARROW FAILURE SYNDROME, TELOMERE-RELATED, 3. Identifiers: Orphanet 2032, MedGen C4225346, MONDO:0014613, OMIM 616373.

Submissions (6):

Labcorp Genetics (formerly Invitae), Labcorp
Classification: Pathogenic for Dyskeratosis congenita, autosomal recessive 5; Pulmonary fibrosis and/or bone marrow failure, Telomere-related, 3. Last evaluated: 2024-11-04. Review status: criteria provided, single submitter. Criteria: Invitae Variant Classification Sherloc (09022015). Collection method: clinical testing. Allele origin: germline.
Comment: This sequence change creates a premature translational stop signal (p.Cys1244Profs*17) in the RTEL1 gene. While this is not anticipated to result in nonsense mediated decay, it is expected to disrupt the last 57 amino acid(s) of the RTEL1 protein. This variant is present in population databases (no rsID available, gnomAD 0.005%). This premature translational stop signal has been observed in individual(s) with clinical features of RTEL1-related conditions (PMID: 28507545, 30115091). This variant is also known as c.3724_3725delTG. This variant disrupts a region of the RTEL1 protein in which other variant(s) (p.Arg1264His) have been determined to be pathogenic (PMID: 23453664, 24009516, 25047097, 25099625, 25620558, 26025130). This suggests that this is a clinically significant region of the protein, and that variants that disrupt it are likely to be disease-causing. For these reasons, this variant has been classified as Pathogenic.

Fulgent Genetics
Classification: Likely pathogenic for Dyskeratosis congenita, autosomal recessive 5; Pulmonary fibrosis and/or bone marrow failure, Telomere-related, 3. Last evaluated: 2024-03-30. Review status: criteria provided, single submitter. Criteria: ACMG Guidelines, 2015. Collection method: clinical testing. Allele origin: germline.

GeneDx
Classification: Pathogenic. Last evaluated: 2023-11-13. Review status: criteria provided, single submitter. Criteria: GeneDx Variant Classification Process June 2021. Collection method: clinical testing. Allele origin: germline. Affected: yes.
Comment: Frameshift variant predicted to result in protein truncation, as the last 57 amino acids are replaced with 16 different amino acids, and other loss-of-function variants have been reported downstream in the Human Gene Mutation Database (HGMD); Not observed at significant frequency in large population cohorts (gnomAD); Also known as c.3724_3725delTG, p.Cys1242Cysfs18 due to use of alternate nomenclature; This variant is associated with the following publications: (PMID: 27535533, 25620558, 28507545, 30115091, 24077912, 36496180)

Department of Pathology and Laboratory Medicine, Sinai Health System
Classification: Likely pathogenic for Pulmonary fibrosis and/or bone marrow failure, Telomere-related, 3; Dyskeratosis congenita, autosomal recessive 5. Last evaluated: 2022-12-22. Review status: criteria provided, single submitter. Criteria: ACMG Guidelines, 2015. Collection method: research. Allele origin: germline.

Molecular Diagnostics Laboratory, M Health Fairview: University of Minnesota
Classification: Likely pathogenic for Pulmonary fibrosis and/or bone marrow failure, Telomere-related, 3. Last evaluated: 2022-03-07. Review status: criteria provided, single submitter. Criteria: ACMG Guidelines, 2015. Collection method: clinical testing. Allele origin: germline. Affected: yes.

PreventionGenetics, part of Exact Sciences
Classification: Likely pathogenic for RTEL1-related condition. Last evaluated: 2024-03-15. Review status: no assertion criteria provided. Collection method: clinical testing. Allele origin: germline. Not counted in ClinVar's aggregate classification.
Comment: The RTEL1 c.3730_3731delTG variant is predicted to result in a frameshift and premature protein termination (p.Cys1244Profs*17). This variant has been reported in one individual with dyskeratosis congenita in the compound heterozygous state along with a second variant predicted to impact splicing (Speckmann et al. 2017. PubMed ID: 28507545) and in a second individual with immunodeficiency and shortened telomeres along with a potentially causative missense variant (described as as c.3724_3725delTG, Trotta et al. 2018. PubMed ID: 30115091). This variant is reported in 0.0047% of alleles in individuals of European (Finnish) descent in gnomAD. Frameshift variants in RTEL1 are expected to be pathogenic. This variant is interpreted as likely pathogenic.

Literature cited by the submitters: PubMed 28507545 (cited by Labcorp Genetics (formerly Invitae), Labcorp); PubMed 30115091 (cited by Labcorp Genetics (formerly Invitae), Labcorp); PubMed 23453664 (cited by Labcorp Genetics (formerly Invitae), Labcorp); PubMed 24009516 (cited by Labcorp Genetics (formerly Invitae), Labcorp); PubMed 25047097 (cited by Labcorp Genetics (formerly Invitae), Labcorp); PubMed 25099625 (cited by Labcorp Genetics (formerly Invitae), Labcorp); PubMed 25620558 (cited by Labcorp Genetics (formerly Invitae), Labcorp); PubMed 26025130 (cited by Labcorp Genetics (formerly Invitae), Labcorp).